The following is an entry in ClinVar:

NM_020821.3(VPS13C):c.5116_5119del (p.Val1706fs)

Gene: VPS13C (vacuolar protein sorting 13 homolog C; minus strand). Cytogenetic location: 15q22.2.
Variant type: Deletion.
Coding change: c.5116_5119del on transcript NM_020821.3 (MANE Select); coding-DNA positions 5116 to 5119, 4 bases deleted (GTTT; older notation c.5116_5119delGTTT).
Protein change: p.Val1706fs; shifts the reading frame from valine 1706.
Molecular consequence: frameshift variant.
Genome position (GRCh38, 1-based): chr15:61,945,744-61,945,747, AAAC deleted on the plus strand (GTTT on the coding strand, the reverse complement: VPS13C is on the minus strand); deleting any 4 consecutive bases within chr15:61,945,744-61,945,749 gives the same sequence; the c. name uses the placement nearest the transcript's 3' end. VCF-style (leftmost placement, unchanged base first): chr15-61945743-TAAAC-T. GRCh37 (hg19) VCF-style: chr15-62237942-TAAAC-T.
Other names: c.5116_5119del, p.Val1706fs (NM_001018088.3); c.4987_4990del, p.Val1663fs (NM_017684.5, NM_018080.4); short protein forms V1663fs, V1706fs.
Identifiers: ClinVar variation 2126582 (VCV002126582.4), dbSNP rs757630901, ClinGen allele CA7595908.

ClinVar aggregate classification (germline): Pathogenic (1 of 4 stars; one submission).

Submission:

Labcorp Genetics (formerly Invitae), Labcorp
Classification: Pathogenic. Last evaluated: 2024-04-17. Review status: criteria provided, single submitter. Criteria: Invitae Variant Classification Sherloc (09022015). Collection method: clinical testing. Allele origin: germline.
Comment: This sequence change creates a premature translational stop signal (p.Val1706Metfs*10) in the VPS13C gene. It is expected to result in an absent or disrupted protein product. Loss-of-function variants in VPS13C are known to be pathogenic (PMID: 26942284, 34875562). This variant is present in population databases (rs757630901, gnomAD 0.0009%). This variant has not been reported in the literature in individuals affected with VPS13C-related conditions. ClinVar contains an entry for this variant (Variation ID: 2126582). Algorithms developed to predict the effect of sequence changes on RNA splicing suggest that this variant may disrupt the consensus splice site. For these reasons, this variant has been classified as Pathogenic.

Literature cited by the submitters: PubMed 26942284; PubMed 34875562.